The following is an entry in ClinVar:

ClinVar aggregate classification (germline): Pathogenic/Likely pathogenic. Review status: criteria provided, multiple submitters, no conflicts (2 of 4 stars). 3 submissions from 3 submitters: Pathogenic (1); Likely pathogenic (2). Last evaluated 2026-09-08.

Conditions:
Fabry disease. Also called: Fabry's disease; CERAMIDE TRIHEXOSIDASE DEFICIENCY; GLA DEFICIENCY; HEREDITARY DYSTOPIC LIPIDOSIS; Angiokeratoma corporis diffusum; ALPHA-GALACTOSIDASE A DEFICIENCY. Identifiers: Orphanet 324, MedGen C0002986, MONDO:0010526, OMIM 301500, HP:0001071. Disease mechanism: Fabry disease is due to inactivating mutations in the X-linked GLA gene resulting in deficiency of the enzyme Alpha Galactosidase-A., loss of function.

Submissions (3):

Genomenon, Inc
Classification: Pathogenic for Fabry disease. Last evaluated: 2026-09-08. Review status: criteria provided, single submitter. Criteria: Genomenon Sequence Variant Interpretation Standards - Updated. Collection method: curation. Allele origin: germline. Affected: yes.
Comment: GLA p.Tyr207Ser (c.620A>C) is a missense variant that changes the amino acid at codon 207 from Tyrosine to Serine. This variant has been observed in at least one proband with clinical features consistent with Fabry disease (PMID:12859541;12175777). The variant was found to segregate with disease in at least one affected family (PMID:12859541). At least one functional study has demonstrated a substantial alteration in protein function relative to the wild-type (PMID:21598360;27657681). This variant is located in a mutational hotspot and/or important functional domain. It is absent or not present at a significant frequency in gnomAD. In silico models predict that this variant is possibly or probably damaging. In conclusion, we classify GLA p.Tyr207Ser (c.620A>C) as a pathogenic variant.

Labcorp Genetics (formerly Invitae), Labcorp
Classification: Likely pathogenic for Fabry disease. Last evaluated: 2025-10-13. Review status: criteria provided, single submitter. Criteria: Invitae Variant Classification Sherloc (09022015). Collection method: clinical testing. Allele origin: germline.
Comment: This sequence change replaces tyrosine, which is neutral and polar, with serine, which is neutral and polar, at codon 207 of the GLA protein (p.Tyr207Ser). This variant is not present in population databases (gnomAD no frequency). This missense change has been observed in individual(s) with Fabry disease (PMID: 12175777, 15712228, 18698230, 19387866). ClinVar contains an entry for this variant (Variation ID: 585078). Invitae Evidence Modeling of protein sequence and biophysical properties (such as structural, functional, and spatial information, amino acid conservation, physicochemical variation, residue mobility, and thermodynamic stability) indicates that this missense variant is expected to disrupt GLA protein function with a positive predictive value of 80%. Experimental studies have shown that this missense change affects GLA function (PMID: 21598360). This variant disrupts the p.Tyr207 amino acid residue in GLA. Other variant(s) that disrupt this residue have been observed in individuals with GLA-related conditions (PMID: 19387866), which suggests that this may be a clinically significant amino acid residue. In summary, the currently available evidence indicates that the variant is pathogenic, but additional data are needed to prove that conclusively. Therefore, this variant has been classified as Likely Pathogenic.

Eurofins Ntd Llc (ga)
Classification: Likely pathogenic. Last evaluated: 2017-08-03. Review status: criteria provided, single submitter. Criteria: EGL Classification Definitions 2015. Collection method: clinical testing. Allele origin: germline. Observed: 1 variant allele, 1 hemizygote.

Literature cited by the submitters: PubMed 12859541 (cited by Genomenon, Inc); PubMed 12175777 (cited by Genomenon, Inc and Labcorp Genetics (formerly Invitae), Labcorp); PubMed 21598360 (cited by Genomenon, Inc and Labcorp Genetics (formerly Invitae), Labcorp); PubMed 27657681 (cited by Genomenon, Inc); PubMed 15712228 (cited by Labcorp Genetics (formerly Invitae), Labcorp); PubMed 18698230 (cited by Labcorp Genetics (formerly Invitae), Labcorp); PubMed 19387866 (cited by Labcorp Genetics (formerly Invitae), Labcorp).

NM_000169.3(GLA):c.620A>C (p.Tyr207Ser)

Genes: GLA (galactosidase alpha; minus strand), RPL36A-HNRNPH2 (RPL36A-HNRNPH2 readthrough; plus strand). Cytogenetic location: Xq22.1.
Variant type: single nucleotide variant.
Coding change: c.620A>C on transcript NM_000169.3 (MANE Select); coding-DNA position 620, A replaced by C.
Protein change: p.Tyr207Ser; replaces tyrosine 207 with serine.
Molecular consequence: missense variant. On other transcripts: non-coding transcript variant (2), intron variant (2).
Genome position (GRCh38, 1-based): chrX:101,400,685, T>G on the plus strand (A>C on the coding strand, the complement: GLA is on the minus strand). VCF-style: chrX-101400685-T-G. GRCh37 (hg19) VCF-style: chrX-100655673-T-G.
Other names: c.743A>C, p.Tyr248Ser (NM_001406747.1); c.620A>C, p.Tyr207Ser (NM_001406748.1); c.300+5228T>G (NM_001199973.2); c.177+8863T>G (NM_001199974.2); short protein forms Y207S, Y248S.
Identifiers: ClinVar variation 585078 (VCV000585078.15), dbSNP rs797044727, ClinGen allele CA413927225.